The following is an entry in ClinVar:

NM_001128178.3(NPHP1):c.1827C>T (p.Leu609=)

Gene: NPHP1 (nephrocystin 1; minus strand). Cytogenetic location: 2q13.
Variant type: single nucleotide variant.
Coding change: c.1827C>T on transcript NM_001128178.3 (MANE Select); coding-DNA position 1827, C replaced by T.
Protein change: p.Leu609=; no amino-acid change (leucine 609 retained).
Molecular consequence: synonymous variant. On other transcripts: 3 prime UTR variant (1).
Genome position (GRCh38, 1-based): chr2:110,123,998, G>A on the plus strand (C>T on the coding strand, the complement: NPHP1 is on the minus strand). VCF-style: chr2-110123998-G-A. GRCh37 (hg19) VCF-style: chr2-110881575-G-A.
Other names: c.1995C>T (NM_000272.3); c.1995C>T, p.Leu665= (NM_000272.5); c.1638C>T, p.Leu546= (NM_001128179.3); c.1824C>T, p.Leu608= (NM_001374256.1); c.*69C>T (NM_001374257.1); c.1992C>T, p.Leu664= (NM_207181.4).
Identifiers: ClinVar variation 2745597 (VCV002745597.4), dbSNP rs570047408, ClinGen allele CA53520548.

ClinVar aggregate classification (germline): Likely benign. Review status: criteria provided, multiple submitters, no conflicts (2 of 4 stars). 2 submissions from 2 submitters: Likely benign (2). Last evaluated 2025-11-24.

Conditions:
NPHP1-related disorder. Also called: NPHP1-related disorders; NPHP1-related condition.
Nephronophthisis. Also called: Juvenile Nephronophthisis. Identifiers: Orphanet 655, MedGen C0687120, MONDO:0019005, HP:0000090.

Allele frequency attached by ClinVar (database versions not stated): gnomAD 0.00001; 1000 Genomes Project 30x 0.00016; 1000 Genomes Project 0.00020.
gnomAD v4.1: 1 of 1,614,054 alleles (0.000062%); highest among the groups gnomAD compares: Admixed American, 0.0017%; no homozygotes.

Submissions (2):

PreventionGenetics, part of Exact Sciences
Classification: Likely benign for NPHP1-related condition. Last evaluated: 2025-11-24. Review status: criteria provided, single submitter. Criteria: ACMG Guidelines, 2015. Collection method: clinical testing. Allele origin: germline.
Comment: This variant is classified as likely benign based on ACMG/AMP sequence variant interpretation guidelines (Richards et al. 2015 PMID: 25741868, with internal and published modifications).

Labcorp Genetics (formerly Invitae), Labcorp
Classification: Likely benign for Nephronophthisis. Last evaluated: 2023-09-21. Review status: criteria provided, single submitter. Criteria: Invitae Variant Classification Sherloc (09022015). Collection method: clinical testing. Allele origin: germline.